The following is an entry in ClinVar:

NM_001005388.3(NFASC):c.878A>C (p.Lys293Thr)

Gene: NFASC (neurofascin; plus strand). Cytogenetic location: 1q32.1.
Variant type: single nucleotide variant.
Coding change: c.878A>C on transcript NM_001005388.3 (MANE Select); coding-DNA position 878, A replaced by C.
Protein change: p.Lys293Thr; replaces lysine 293 with threonine.
Molecular consequence: missense variant. On other transcripts: non-coding transcript variant (1).
Genome position (GRCh38, 1-based): chr1:204,968,857, A>C. VCF-style: chr1-204968857-A-C. GRCh37 (hg19) VCF-style: chr1-204937985-A-C.
Other names: c.878A>C, p.Lys293Thr (NM_001005389.2, NM_001378329.1); c.911A>C, p.Lys304Thr (NM_001160331.2, NM_001160332.2, NM_001365986.1 and 3 more transcripts); c.860A>C, p.Lys287Thr (NM_001160333.2); short protein forms K287T, K293T, K304T.
Identifiers: ClinVar variation 1803529 (VCV001803529.2), dbSNP rs761511719, ClinGen allele CA1349755.

ClinVar aggregate classification (germline): Uncertain significance (1 of 4 stars; one submission).

Allele frequency attached by ClinVar (database versions not stated): gnomAD exomes 0.00002; TOPMed 0.00002; gnomAD 0.00003; ExAC 0.00001.
gnomAD v4.1: 32 of 1,613,916 alleles (0.002%); highest among the groups gnomAD compares: Non-Finnish European, 0.0026%; no homozygotes.

Submission:

GeneDx
Classification: Uncertain significance. Last evaluated: 2023-11-17. Review status: criteria provided, single submitter. Criteria: GeneDx Variant Classification Process June 2021. Collection method: clinical testing. Allele origin: germline.
Comment: Not observed at significant frequency in large population cohorts (gnomAD); In silico analysis supports that this missense variant does not alter protein structure/function; Has not been previously published as pathogenic or benign to our knowledge